The following is an entry in ClinVar:

NM_001367624.2(ZNF469):c.2104C>G (p.Leu702Val)

Gene: ZNF469 (zinc finger protein 469; plus strand). Cytogenetic location: 16q24.2.
Variant type: single nucleotide variant.
Coding change: c.2104C>G on transcript NM_001367624.2 (MANE Select); coding-DNA position 2104, C replaced by G.
Protein change: p.Leu702Val; replaces leucine 702 with valine.
Molecular consequence: missense variant.
Genome position (GRCh38, 1-based): chr16:88,429,574, C>G. VCF-style: chr16-88429574-C-G. GRCh37 (hg19) VCF-style: chr16-88495982-C-G.
Other names: NM_001127464.1:c.2104C>G; NM_001127464.2:c.2104C>G; short protein forms L702V.
Identifiers: ClinVar variation 3232768 (VCV003232768.2), dbSNP rs1378514071, ClinGen allele CA397069828.
Genomic context (GRCh38, chr16:88,429,574, plus strand): 5'-TTCCAGTGCCTGGAGGAGACCCCATTCCCCCACGAGGGCCCCGAGGTGGGTCGGGGAGGG[C>G]TGCAGGGCTTCCCCCGTGCGCCGCCTCCGTACCCCACACACCACTTCTCCCTCAGCAGCG-3'
Protein context (NP_001354553.1, residues 692-712): HEGPEVGRGG[Leu702Val]QGFPRAPPPY

ClinVar aggregate classification (germline): Uncertain significance. Review status: criteria provided, multiple submitters, no conflicts (2 of 4 stars). 2 submissions from 2 submitters: Uncertain significance (2). Last evaluated 2025-08-20.

Conditions:
ZNF469-related disorder. Also called: ZNF469-related condition.
Cardiovascular phenotype. Identifiers: MedGen CN230736.

Allele frequency attached by ClinVar (database versions not stated): gnomAD 0.00001; gnomAD exomes 0.00001; TOPMed 0.00002.
gnomAD v4.1: 11 of 1,549,896 alleles (0.00071%); highest among the groups gnomAD compares: Non-Finnish European, 0.00096%; 1 homozygote.

Submissions (2):

PreventionGenetics, part of Exact Sciences
Classification: Uncertain significance for ZNF469-related condition. Last evaluated: 2025-08-20. Review status: criteria provided, single submitter. Criteria: ACMG Guidelines, 2015. Collection method: clinical testing. Allele origin: germline.
Comment: The ZNF469 c.2104C>G variant is predicted to result in the amino acid substitution p.Leu702Val. To our knowledge, this variant has not been reported in the literature. This variant is reported in 0.0065% of alleles in individuals of European (Non-Finnish) descent in gnomAD. At this time, the clinical significance of this variant is uncertain due to the absence of conclusive functional and genetic evidence.

Ambry Genetics
Classification: Uncertain significance for Cardiovascular phenotype. Last evaluated: 2023-10-10. Review status: criteria provided, single submitter. Criteria: Ambry Variant Classification Scheme 2023. Collection method: clinical testing. Allele origin: germline.
Comment: The p.L702V variant (also known as c.2104C>G), located in coding exon 1 of the ZNF469 gene, results from a C to G substitution at nucleotide position 2104. The leucine at codon 702 is replaced by valine, an amino acid with highly similar properties. This amino acid position is conserved. In addition, this alteration is predicted to be tolerated by in silico analysis. Since supporting evidence is limited at this time, the clinical significance of this alteration remains unclear.